The following is an entry in ClinVar:

NM_001199397.3(NEK1):c.2586T>C (p.Ser862=)

Gene: NEK1 (NIMA related kinase 1; minus strand). Cytogenetic location: 4q33.
Variant type: single nucleotide variant.
Coding change: c.2586T>C on transcript NM_001199397.3 (MANE Select); coding-DNA position 2586, T replaced by C.
Protein change: p.Ser862=; no amino-acid change (serine 862 retained).
Molecular consequence: synonymous variant. On other transcripts: non-coding transcript variant (1).
Genome position (GRCh38, 1-based): chr4:169,463,244, A>G on the plus strand (T>C on the coding strand, the complement: NEK1 is on the minus strand). VCF-style: chr4-169463244-A-G. GRCh37 (hg19) VCF-style: chr4-170384395-A-G.
Other names: c.2454T>C, p.Ser818= (NM_001199398.3); c.2295T>C, p.Ser765= (NM_001199399.3); c.2370T>C, p.Ser790= (NM_001199400.3); c.2586T>C, p.Ser862= (NM_001374418.1); c.2502T>C, p.Ser834= (NM_001374419.1, NM_012224.4); c.2451T>C, p.Ser817= (NM_001374420.1); c.2280T>C, p.Ser760= (NM_001374421.1).
Identifiers: ClinVar variation 3666225 (VCV003666225.2).

ClinVar aggregate classification (germline): Uncertain significance (1 of 4 stars; one submission).

Conditions:
Short-rib thoracic dysplasia 6 with or without polydactyly (SRTD6). Also called: POLYDACTYLY WITH NEONATAL CHONDRODYSTROPHY, TYPE II; Majewski Syndrome; SHORT RIB-POLYDACTYLY SYNDROME, TYPE IIA; SHORT-RIB THORACIC DYSPLASIA 6 WITH POLYDACTYLY; SHORT-RIB THORACIC DYSPLASIA 6 WITHOUT POLYDACTYLY. Identifiers: MedGen C0024507, MONDO:0009894, OMIM 263520.

gnomAD v4.1: 5 of 1,500,710 alleles (0.00033%); highest among the groups gnomAD compares: African/African-American, 0.0056%; no homozygotes.

Submission:

Labcorp Genetics (formerly Invitae), Labcorp
Classification: Uncertain significance for Short-rib thoracic dysplasia 6 with or without polydactyly. Last evaluated: 2024-02-25. Review status: criteria provided, single submitter. Criteria: Invitae Variant Classification Sherloc (09022015). Collection method: clinical testing. Allele origin: germline.
Comment: This sequence change affects codon 834 of the NEK1 mRNA. It is a 'silent' change, meaning that it does not change the encoded amino acid sequence of the NEK1 protein. It affects a nucleotide within the consensus splice site. This variant is present in population databases (rs371559942, gnomAD 0.02%). This variant has not been reported in the literature in individuals affected with NEK1-related conditions. Algorithms developed to predict the effect of sequence changes on RNA splicing suggest that this variant is not likely to affect RNA splicing. In summary, the available evidence is currently insufficient to determine the role of this variant in disease. Therefore, it has been classified as a Variant of Uncertain Significance.